The following is an entry in ClinVar:

NM_002230.4(JUP):c.1994C>T (p.Ser665Phe)

Gene: JUP (junction plakoglobin; minus strand). Cytogenetic location: 17q21.2.
Variant type: single nucleotide variant.
Coding change: c.1994C>T on transcript NM_002230.4 (MANE Select); coding-DNA position 1994, C replaced by T.
Protein change: p.Ser665Phe; replaces serine 665 with phenylalanine.
Molecular consequence: missense variant.
Genome position (GRCh38, 1-based): chr17:41,757,467, G>A on the plus strand (C>T on the coding strand, the complement: JUP is on the minus strand). VCF-style: chr17-41757467-G-A. GRCh37 (hg19) VCF-style: chr17-39913719-G-A.
Other names: c.1994C>T, p.Ser665Phe (NM_001352773.2, NM_001352774.2, NM_001352775.2 and 3 more transcripts); short protein forms S665F.
Identifiers: ClinVar variation 1015158 (VCV001015158.8), dbSNP rs1555598615, ClinGen allele CA399491843.

ClinVar aggregate classification (germline): Uncertain significance (1 of 4 stars; one submission).

Conditions:
Naxos disease (NXD). Also called: KERATOSIS PALMOPLANTARIS WITH ARRHYTHMOGENIC CARDIOMYOPATHY; MAL DE NAXOS; CARDIOMYOPATHY, ARRHYTHMOGENIC RIGHT VENTRICULAR, WITH SKIN, HAIR, AND NAIL ABNORMALITIES; PALMOPLANTAR KERATODERMA WITH ARRHYTHMOGENIC RIGHT VENTRICULAR CARDIOMYOPATHY AND WOOLLY HAIR; WOOLLY HAIR, PALMOPLANTAR KERATODERMA, AND CARDIAC ABNORMALITIES. Identifiers: Orphanet 34217, MedGen C1832600, MONDO:0011017, OMIM 601214.
Arrhythmogenic right ventricular dysplasia 12. Also called: ARRHYTHMOGENIC RIGHT VENTRICULAR DYSPLASIA, FAMILIAL, 12. Identifiers: MedGen C1969081, MONDO:0012684, OMIM 611528.

Allele frequency attached by ClinVar (database versions not stated): gnomAD exomes below 0.00001.
gnomAD v4.1: 1 of 1,614,246 alleles (0.000062%); highest among the groups gnomAD compares: Admixed American, 0.0017%; no homozygotes.

Submission:

Labcorp Genetics (formerly Invitae), Labcorp
Classification: Uncertain significance for Arrhythmogenic right ventricular dysplasia 12; Naxos disease. Last evaluated: 2022-03-03. Review status: criteria provided, single submitter. Criteria: Invitae Variant Classification Sherloc (09022015). Collection method: clinical testing. Allele origin: germline.
Comment: This variant has not been reported in the literature in individuals affected with JUP-related conditions. ClinVar contains an entry for this variant (Variation ID: 1015158). Algorithms developed to predict the effect of missense changes on protein structure and function are either unavailable or do not agree on the potential impact of this missense change (SIFT: "Deleterious"; PolyPhen-2: "Possibly Damaging"; Align-GVGD: "Class C0"). In summary, the available evidence is currently insufficient to determine the role of this variant in disease. Therefore, it has been classified as a Variant of Uncertain Significance. This variant is present in population databases (no rsID available, gnomAD 0.003%). This sequence change replaces serine, which is neutral and polar, with phenylalanine, which is neutral and non-polar, at codon 665 of the JUP protein (p.Ser665Phe).